The following is an entry in ClinVar:

ClinVar aggregate classification (germline): Uncertain significance (1 of 4 stars; one submission).

Conditions:
BCS1L-related disorder. Also called: BCS1L-related condition; BCS1L-related disorders. Identifiers: MedGen CN239240.

Allele frequency attached by ClinVar (database versions not stated): TOPMed 0.00002.

Submission:

PreventionGenetics, part of Exact Sciences
Classification: Uncertain significance for BCS1L-related condition. Last evaluated: 2023-06-13. Review status: criteria provided, single submitter. Criteria: ACMG Guidelines, 2015. Collection method: clinical testing. Allele origin: germline.
Comment: The BCS1L c.1181C>A variant is predicted to result in the amino acid substitution p.Ala394Asp. To our knowledge, this variant has not been reported in the literature or in a large population database, indicating this variant is rare. At this time, the clinical significance of this variant is uncertain due to the absence of conclusive functional and genetic evidence.

NM_001079866.2(BCS1L):c.1181C>A (p.Ala394Asp)

Gene: BCS1L (BCS1 ubiquinol-cytochrome c reductase complex chaperone; plus strand). Cytogenetic location: 2q35.
Variant type: single nucleotide variant.
Coding change: c.1181C>A on transcript NM_001079866.2 (MANE Select); coding-DNA position 1181, C replaced by A.
Protein change: p.Ala394Asp; replaces alanine 394 with aspartic acid.
Molecular consequence: missense variant. On other transcripts: non-coding transcript variant (1).
Genome position (GRCh38, 1-based): chr2:218,663,307, C>A. VCF-style: chr2-218663307-C-A. GRCh37 (hg19) VCF-style: chr2-219528030-C-A.
Other names: c.1181C>A, p.Ala394Asp (NM_001257342.2, NM_001257343.2, NM_001257344.2 and 10 more transcripts); c.821C>A, p.Ala274Asp (NM_001318836.2, NM_001371451.1); c.680C>A, p.Ala227Asp (NM_001371452.1, NM_001371453.1, NM_001371454.1 and 3 more transcripts); short protein forms A227D, A274D, A394D.
Identifiers: ClinVar variation 2633067 (VCV002633067.1), dbSNP rs1939696868, ClinGen allele CA350632576.